The following is an entry in ClinVar:

NM_000719.7(CACNA1C):c.2114G>A (p.Gly705Glu)

Gene: CACNA1C (calcium voltage-gated channel subunit alpha1 C; plus strand). Cytogenetic location: 12p13.33.
Variant type: single nucleotide variant.
Coding change: c.2114G>A on transcript NM_000719.7 (MANE Select); coding-DNA position 2114, G replaced by A.
Protein change: p.Gly705Glu; replaces glycine 705 with glutamic acid.
Molecular consequence: missense variant.
Genome position (GRCh38, 1-based): chr12:2,582,832, G>A. VCF-style: chr12-2582832-G-A. GRCh37 (hg19) VCF-style: chr12-2691998-G-A.
Other names: c.2114G>A, p.Gly705Glu (NM_001129827.2, NM_001129829.2, NM_001129830.3 and 18 more transcripts); c.2105G>A, p.Gly702Glu (NM_001129844.2); short protein forms G702E, G705E.
Identifiers: ClinVar variation 2501348 (VCV002501348.1), dbSNP rs2514930352, ClinGen allele CA383371048.

ClinVar aggregate classification (germline): Pathogenic (1 of 4 stars; one submission).

Submission:

GeneDx
Classification: Pathogenic. Last evaluated: 2023-05-04. Review status: criteria provided, single submitter. Criteria: GeneDx Variant Classification Process June 2021. Collection method: clinical testing. Allele origin: germline. Affected: yes.
Comment: Not observed at significant frequency in large population cohorts (gnomAD); In silico analysis supports that this missense variant has a deleterious effect on protein structure/function; Has not been previously published as pathogenic or benign to our knowledge